The following is an entry in ClinVar:

NM_033100.4(CDHR1):c.1778T>C (p.Ile593Thr)

Gene: CDHR1 (cadherin related family member 1; plus strand). Cytogenetic location: 10q23.1.
Variant type: single nucleotide variant.
Coding change: c.1778T>C on transcript NM_033100.4 (MANE Select); coding-DNA position 1778, T replaced by C.
Protein change: p.Ile593Thr; replaces isoleucine 593 with threonine.
Molecular consequence: missense variant.
Genome position (GRCh38, 1-based): chr10:84,212,403, T>C. VCF-style: chr10-84212403-T-C. GRCh37 (hg19) VCF-style: chr10-85972159-T-C.
Other names: c.1778T>C (NM_033100.3); c.1778T>C, p.Ile593Thr (NM_001171971.3); short protein forms I593T.
Identifiers: ClinVar variation 1058670 (VCV001058670.9), dbSNP rs151127624, ClinGen allele CA5580040.
Genomic context (GRCh38, chr10:84,212,403, plus strand): 5'-CCCCTCAGTTTGGAAAGAGCGTTCAGAAGAAGACGATGGTGCTAGGGACCCCAGTGAAAA[T>C]TGAGGTAAGTTTTGGAGGCAGCTGAGCTCCCCTAAAAGCCTGGGTCCAGCAGCTCCAAGA-3'
Protein context (NP_149091.1, residues 583-603): KTMVLGTPVK[Ile593Thr]EAIDEDAEEP

ClinVar aggregate classification (germline): Uncertain significance. Review status: criteria provided, multiple submitters, no conflicts (2 of 4 stars). 3 submissions from 3 submitters: Uncertain significance (3). Last evaluated 2025-04-28.

Conditions:
CDHR1-related disorder. Also called: CDHR1-related condition.

Allele frequency attached by ClinVar (database versions not stated): ExAC 0.00004; gnomAD 0.00004; gnomAD exomes 0.00004 and 0.00006; TOPMed 0.00005; ESP Exome Variant Server 0.00008; 1000 Genomes Project 30x 0.00016; 1000 Genomes Project 0.00020.
gnomAD v4.1: 96 of 1,613,730 alleles (0.0059%); highest among the groups gnomAD compares: African/African-American, 0.02%; no homozygotes.

Submissions (3):

Labcorp Genetics (formerly Invitae), Labcorp
Classification: Uncertain significance. Last evaluated: 2025-04-28. Review status: criteria provided, single submitter. Criteria: Invitae Variant Classification Sherloc (09022015). Collection method: clinical testing. Allele origin: germline.
Comment: This sequence change replaces isoleucine, which is neutral and non-polar, with threonine, which is neutral and polar, at codon 593 of the CDHR1 protein (p.Ile593Thr). This variant is present in population databases (rs151127624, gnomAD 0.02%). This variant has not been reported in the literature in individuals affected with CDHR1-related conditions. ClinVar contains an entry for this variant (Variation ID: 1058670). Invitae Evidence Modeling of protein sequence and biophysical properties (such as structural, functional, and spatial information, amino acid conservation, physicochemical variation, residue mobility, and thermodynamic stability) indicates that this missense variant is not expected to disrupt CDHR1 protein function with a negative predictive value of 80%. In summary, the available evidence is currently insufficient to determine the role of this variant in disease. Therefore, it has been classified as a Variant of Uncertain Significance.

PreventionGenetics, part of Exact Sciences
Classification: Uncertain significance for CDHR1-related condition. Last evaluated: 2025-03-19. Review status: criteria provided, single submitter. Criteria: ACMG Guidelines, 2015. Collection method: clinical testing. Allele origin: germline.
Comment: The CDHR1 c.1778T>C variant is predicted to result in the amino acid substitution p.Ile593Thr. To our knowledge, this variant has not been reported in the literature. This variant is reported in 0.016% of alleles in individuals of African descent in gnomAD. At this time, the clinical significance of this variant is uncertain due to the absence of conclusive functional and genetic evidence.

Blueprint Genetics
Classification: Uncertain significance. Last evaluated: 2022-08-22. Review status: criteria provided, single submitter. Criteria: ACMG Guidelines, 2015. Collection method: clinical testing. Allele origin: germline.